The following is an entry in ClinVar:

NM_000110.4(DPYD):c.2539C>T (p.Gln847Ter)

Genes: DPYD (dihydropyrimidine dehydrogenase; minus strand), DPYD-AS1 (DPYD antisense RNA 1; plus strand). Cytogenetic location: 1p21.3.
Variant type: single nucleotide variant.
Coding change: c.2539C>T on transcript NM_000110.4 (MANE Select); coding-DNA position 2539, C replaced by T.
Protein change: p.Gln847Ter; replaces glutamine 847 with a stop codon.
Molecular consequence: nonsense.
Genome position (GRCh38, 1-based): chr1:97,193,152, G>A on the plus strand (C>T on the coding strand, the complement: DPYD is on the minus strand). VCF-style: chr1-97193152-G-A. GRCh37 (hg19) VCF-style: chr1-97658708-G-A.
Other names: short protein forms Q847*.
Identifiers: ClinVar variation 5013704 (VCV005013704.1).

ClinVar aggregate classification (germline): Pathogenic (1 of 4 stars; one submission).

Conditions:
Dihydropyrimidine dehydrogenase deficiency (DPYDD). Also called: DPD DEFICIENCY; DPYD DEFICIENCY; Hereditary Thymine-Uraciluria. Identifiers: Orphanet 1675, MedGen C1959620, MONDO:0010130, OMIM 274270.

Submission:

Myriad Genetics, Inc.
Classification: Pathogenic for Dihydropyrimidine dehydrogenase deficiency. Last evaluated: 2024-11-04. Review status: criteria provided, single submitter. Criteria: Myriad Autosomal Dominant, Autosomal Recessive and X-Linked Classification Criteria (2023). Collection method: clinical testing. Allele origin: unknown.
Comment: NM_000110.3(DPYD):c.2539C>T(Q847*) is expected to be pathogenic in the context of dihydropyrimidine dehydrogenase deficiency. This variant is predicted to lead to an abnormal or absent protein product due to the creation of a premature termination codon in DPYD, a gene where loss-of-function variants are known to be pathogenic. Please note: this variant was assessed in the context of healthy population screening.